The following is an entry in ClinVar:

ClinVar aggregate classification (germline): Likely benign. Review status: criteria provided, multiple submitters, no conflicts (2 of 4 stars). 2 submissions from 2 submitters: Likely benign (2). Last evaluated 2025-12-19.

Conditions:
CSGALNACT1-related disorder. Also called: CSGALNACT1-related condition.

Submissions (2):

Labcorp Genetics (formerly Invitae), Labcorp
Classification: Likely benign. Last evaluated: 2025-12-19. Review status: criteria provided, single submitter. Criteria: Invitae Variant Classification Sherloc (09022015). Collection method: clinical testing. Allele origin: germline.

PreventionGenetics, part of Exact Sciences
Classification: Likely benign for CSGALNACT1-related condition. Last evaluated: 2024-10-10. Review status: criteria provided, single submitter. Criteria: ACMG Guidelines, 2015. Collection method: clinical testing. Allele origin: germline.
Comment: This variant is classified as likely benign based on ACMG/AMP sequence variant interpretation guidelines (Richards et al. 2015 PMID: 25741868, with internal and published modifications).

NM_001354483.2(CSGALNACT1):c.1575_1576del (p.Lys526fs)

Gene: CSGALNACT1 (chondroitin sulfate N-acetylgalactosaminyltransferase 1; minus strand). Cytogenetic location: 8p21.3.
Variant type: Deletion.
Coding change: c.1575_1576del on transcript NM_001354483.2 (MANE Select); coding-DNA positions 1575 to 1576, 2 bases deleted (GA; older notation c.1575_1576delGA).
Protein change: p.Lys526fs; shifts the reading frame from lysine 526.
Molecular consequence: frameshift variant. On other transcripts: non-coding transcript variant (7).
Genome position (GRCh38, 1-based): chr8:19,405,803-19,405,804, TC deleted on the plus strand (GA on the coding strand, the reverse complement: CSGALNACT1 is on the minus strand); deleting any 2 consecutive bases within chr8:19,405,803-19,405,805 gives the same sequence; the c. name uses the placement nearest the transcript's 3' end. VCF-style (leftmost placement, unchanged base first): chr8-19405802-TTC-T. GRCh37 (hg19) VCF-style: chr8-19263313-TTC-T.
Other names: c.1575_1576del, p.Lys526fs (NM_001354476.2, NM_001354477.2, NM_001354480.2 and 18 more transcripts); c.1575_1576delGA (NM_001130518.1); short protein forms K526fs.
Identifiers: ClinVar variation 712012 (VCV000712012.9), dbSNP rs140290682, ClinGen allele CA4653722.
Genomic context (GRCh38, chr8:19,405,802, plus strand): 5'-GAAAGAAAAAGTGTCTCCCACAATCCTTCTCTGGGAGTTCATGTTTTTTTGCTACTTGTC[TTC>T]TGTTTCTGTTTGCGAAGGTGAGCCTCTATCTCGTGCCTGAACACCAGCATGCCCAGCTGG-3'